The following is an entry in ClinVar:

NM_033198.4(PIGS):c.554G>A (p.Arg185His)

Gene: PIGS (phosphatidylinositol glycan anchor biosynthesis class S; minus strand). Cytogenetic location: 17q11.2.
Variant type: single nucleotide variant.
Coding change: c.554G>A on transcript NM_033198.4 (MANE Select); coding-DNA position 554, G replaced by A.
Protein change: p.Arg185His; replaces arginine 185 with histidine.
Molecular consequence: missense variant.
Genome position (GRCh38, 1-based): chr17:28,561,544, C>T on the plus strand (G>A on the coding strand, the complement: PIGS is on the minus strand). VCF-style: chr17-28561544-C-T. GRCh37 (hg19) VCF-style: chr17-26888562-C-T.
Other names: short protein forms R185H.
Identifiers: ClinVar variation 3049421 (VCV003049421.2), dbSNP rs114961784, ClinGen allele CA8460248.

ClinVar aggregate classification (germline): Likely benign (0 of 4 stars; one submission).

Conditions:
PIGS-related disorder. Also called: PIGS-related condition.

Allele frequency attached by ClinVar (database versions not stated): ESP Exome Variant Server 0.00008; 1000 Genomes Project 30x 0.00062; 1000 Genomes Project 0.00080.
gnomAD v4.1: 317 of 1,613,804 alleles (0.02%); highest among the groups gnomAD compares: East Asian, 0.21%; 1 homozygote.

Submission:

PreventionGenetics, part of Exact Sciences
Classification: Likely benign for PIGS-related condition. Last evaluated: 2022-05-25. Review status: no assertion criteria provided. Collection method: clinical testing. Allele origin: germline.
Comment: This variant is classified as likely benign based on ACMG/AMP sequence variant interpretation guidelines (Richards et al. 2015 PMID: 25741868, with internal and published modifications).